The following is an entry in ClinVar:

ClinVar aggregate classification (germline): Uncertain significance (1 of 4 stars; one submission).

Submission:

Labcorp Genetics (formerly Invitae), Labcorp
Classification: Uncertain significance. Last evaluated: 2025-03-10. Review status: criteria provided, single submitter. Criteria: Invitae Variant Classification Sherloc (09022015). Collection method: clinical testing. Allele origin: germline.
Comment: This sequence change replaces serine, which is neutral and polar, with leucine, which is neutral and non-polar, at codon 501 of the KIF20A protein (p.Ser501Leu). This variant is not present in population databases (gnomAD no frequency). This variant has not been reported in the literature in individuals affected with KIF20A-related conditions. An algorithm developed to predict the effect of missense changes on protein structure and function (PolyPhen-2) suggests that this variant is likely to be disruptive. In summary, the available evidence is currently insufficient to determine the role of this variant in disease. Therefore, it has been classified as a Variant of Uncertain Significance.

NM_005733.3(KIF20A):c.1502C>T (p.Ser501Leu)

Gene: KIF20A (kinesin family member 20A; plus strand). Cytogenetic location: 5q31.2.
Variant type: single nucleotide variant.
Coding change: c.1502C>T on transcript NM_005733.3 (MANE Select); coding-DNA position 1502, C replaced by T.
Protein change: p.Ser501Leu; replaces serine 501 with leucine.
Molecular consequence: missense variant.
Genome position (GRCh38, 1-based): chr5:138,184,388, C>T. VCF-style: chr5-138184388-C-T. GRCh37 (hg19) VCF-style: chr5-137520077-C-T.
Other names: short protein forms S501L.
Identifiers: ClinVar variation 3611690 (VCV003611690.2).